The following is an entry in ClinVar:

NM_017617.5(NOTCH1):c.6595C>A (p.Pro2199Thr)

Gene: NOTCH1 (notch receptor 1; minus strand). Cytogenetic location: 9q34.3.
Variant type: single nucleotide variant.
Coding change: c.6595C>A on transcript NM_017617.5 (MANE Select); coding-DNA position 6595, C replaced by A.
Protein change: p.Pro2199Thr; replaces proline 2199 with threonine.
Molecular consequence: missense variant.
Genome position (GRCh38, 1-based): chr9:136,497,144, G>T on the plus strand (C>A on the coding strand, the complement: NOTCH1 is on the minus strand). VCF-style: chr9-136497144-G-T. GRCh37 (hg19) VCF-style: chr9-139391596-G-T.
Other names: short protein forms P2199T.
Identifiers: ClinVar variation 3635965 (VCV003635965.2).

ClinVar aggregate classification (germline): Uncertain significance (1 of 4 stars; one submission).

Conditions:
Adams-Oliver syndrome 5 (AOS5). Identifiers: Orphanet 974, MedGen C4014970, MONDO:0014459, OMIM 616028.

gnomAD v4.1: 2 of 1,612,700 alleles (0.00012%); highest among the groups gnomAD compares: Non-Finnish European, 0.00017%; no homozygotes.

Submission:

Labcorp Genetics (formerly Invitae), Labcorp
Classification: Uncertain significance for Adams-Oliver syndrome 5. Last evaluated: 2024-07-11. Review status: criteria provided, single submitter. Criteria: Invitae Variant Classification Sherloc (09022015). Collection method: clinical testing. Allele origin: germline.
Comment: This sequence change replaces proline, which is neutral and non-polar, with threonine, which is neutral and polar, at codon 2199 of the NOTCH1 protein (p.Pro2199Thr). This variant is not present in population databases (gnomAD no frequency). This variant has not been reported in the literature in individuals affected with NOTCH1-related conditions. Advanced modeling of protein sequence and biophysical properties (such as structural, functional, and spatial information, amino acid conservation, physicochemical variation, residue mobility, and thermodynamic stability) performed at Invitae indicates that this missense variant is not expected to disrupt NOTCH1 protein function with a negative predictive value of 95%. In summary, the available evidence is currently insufficient to determine the role of this variant in disease. Therefore, it has been classified as a Variant of Uncertain Significance.